The following is an entry in ClinVar:

NM_001304359.2(MUC5AC):c.14175C>T (p.Cys4725=)

Gene: MUC5AC (mucin 5AC, oligomeric mucus/gel-forming; plus strand). Cytogenetic location: 11p15.5.
Variant type: single nucleotide variant.
Coding change: c.14175C>T on transcript NM_001304359.2 (MANE Select); coding-DNA position 14175, C replaced by T.
Protein change: p.Cys4725=; no amino-acid change (cysteine 4725 retained).
Molecular consequence: synonymous variant.
Genome position (GRCh38, 1-based): chr11:1,192,320, C>T. VCF-style: chr11-1192320-C-T. GRCh37 (hg19) VCF-style: chr11-1213545-C-T.
Identifiers: ClinVar variation 3388643 (VCV003388643.14).

ClinVar aggregate classification (germline): Likely benign (1 of 4 stars; one submission).

gnomAD v4.1: 70 of 765,092 alleles (0.0091%); highest among the groups gnomAD compares: Admixed American, 0.032%; no homozygotes.

Submission:

CeGaT Center for Human Genetics Tuebingen
Classification: Likely benign. Last evaluated: 2024-11-01. Review status: criteria provided, single submitter. Criteria: CeGaT Center For Human Genetics Tuebingen Variant Classification Criteria Version 2. Collection method: clinical testing. Allele origin: germline. Affected: yes. Observed: 1 variant allele.
Comment: MUC5AC: BP4, BP7